The following is an entry in ClinVar:

ClinVar aggregate classification (germline): Uncertain significance. Review status: criteria provided, multiple submitters, no conflicts (2 of 4 stars). 2 submissions from 2 submitters: Uncertain significance (2). Last evaluated 2019-11-04.

Submissions (2):

Labcorp Genetics (formerly Invitae), Labcorp
Classification: Uncertain significance. Last evaluated: 2019-11-04. Review status: criteria provided, single submitter. Criteria: Invitae Variant Classification Sherloc (09022015). Collection method: clinical testing. Allele origin: germline.
Comment: This sequence change replaces serine with arginine at codon 78 of the REEP6 protein (p.Ser78Arg). The serine residue is weakly conserved and there is a moderate physicochemical difference between serine and arginine. This variant is not present in population databases (ExAC no frequency). This variant has not been reported in the literature in individuals with REEP6-related conditions. Algorithms developed to predict the effect of missense changes on protein structure and function are either unavailable or do not agree on the potential impact of this missense change (SIFT: "Tolerated"; PolyPhen-2: "Not Available"; Align-GVGD: "Class C0"). In summary, the available evidence is currently insufficient to determine the role of this variant in disease. Therefore, it has been classified as a Variant of Uncertain Significance.

Breakthrough Genomics
Classification: Uncertain significance. Review status: criteria provided, single submitter. Criteria: ACMG Guidelines, 2015. Collection method: not provided. Allele origin: germline. Inheritance: Autosomal recessive inheritance. Affected: yes.

NM_138393.4(REEP6):c.234C>G (p.Ser78Arg)

Gene: REEP6 (receptor accessory protein 6; plus strand). Cytogenetic location: 19p13.3.
Variant type: single nucleotide variant.
Coding change: c.234C>G on transcript NM_138393.4 (MANE Select); coding-DNA position 234, C replaced by G.
Protein change: p.Ser78Arg; replaces serine 78 with arginine.
Molecular consequence: missense variant.
Genome position (GRCh38, 1-based): chr19:1,495,493, C>G. VCF-style: chr19-1495493-C-G. GRCh37 (hg19) VCF-style: chr19-1495492-C-G.
Other names: c.234C>G, p.Ser78Arg (NM_001329556.3); short protein forms S78R.
Identifiers: ClinVar variation 959884 (VCV000959884.2), dbSNP rs2084998429, ClinGen allele CA403056609.